The following is an entry in ClinVar:

NM_001005361.3(DNM2):c.992+3A>G

Gene: DNM2 (dynamin 2; plus strand). Cytogenetic location: 19p13.2.
Variant type: single nucleotide variant.
Coding change: c.992+3A>G on transcript NM_001005361.3 (MANE Select); 3 bases into the intron after coding-DNA position 992, A replaced by G.
Molecular consequence: intron variant.
Genome position (GRCh38, 1-based): chr19:10,786,709, A>G. VCF-style: chr19-10786709-A-G. GRCh37 (hg19) VCF-style: chr19-10897385-A-G.
Other names: c.992+3A>G (NM_001005360.3, NM_001190716.2, NM_004945.4 and 1 more transcripts).
Identifiers: ClinVar variation 1043374 (VCV001043374.6), dbSNP rs1053695479, ClinGen allele CA305276505.

ClinVar aggregate classification (germline): Uncertain significance (1 of 4 stars; one submission).

Conditions:
Charcot-Marie-Tooth disease dominant intermediate B (CMTDIB). Also called: Charcot-Marie-Tooth disease dominant intermediate 1; CMT DI1; Charcot-Marie-Tooth disease dominant intermediate I; CHARCOT-MARIE-TOOTH NEUROPATHY, DOMINANT INTERMEDIATE B. Identifiers: Orphanet 100044, Orphanet 228179, MedGen C1847902, MONDO:0011674, OMIM 606482.

Allele frequency attached by ClinVar (database versions not stated): gnomAD exomes below 0.00001.
gnomAD v4.1: 6 of 1,613,942 alleles (0.00037%); highest among the groups gnomAD compares: African/African-American, 0.0013%; no homozygotes.

Submission:

Labcorp Genetics (formerly Invitae), Labcorp
Classification: Uncertain significance for Charcot-Marie-Tooth disease dominant intermediate B. Last evaluated: 2020-02-21. Review status: criteria provided, single submitter. Criteria: Invitae Variant Classification Sherloc (09022015). Collection method: clinical testing. Allele origin: germline.
Comment: In summary, the available evidence is currently insufficient to determine the role of this variant in disease. Therefore, it has been classified as a Variant of Uncertain Significance. Nucleotide substitutions within the consensus splice site are a relatively common cause of aberrant splicing (PMID: 17576681, 9536098). Algorithms developed to predict the effect of sequence changes on RNA splicing suggest that this variant may disrupt the consensus splice site, but this prediction has not been confirmed by published transcriptional studies. This variant has not been reported in the literature in individuals with DNM2-related conditions. This variant is not present in population databases (ExAC no frequency). This sequence change falls in intron 7 of the DNM2 gene. It does not directly change the encoded amino acid sequence of the DNM2 protein, but it affects a nucleotide within the consensus splice site of the intron.

Literature cited by the submitters: PubMed 17576681; PubMed 9536098.